The following is an entry in ClinVar:

NM_006389.5(HYOU1):c.1769C>T (p.Thr590Ile)

Gene: HYOU1 (hypoxia up-regulated 1; minus strand). Cytogenetic location: 11q23.3.
Variant type: single nucleotide variant.
Coding change: c.1769C>T on transcript NM_006389.5 (MANE Select); coding-DNA position 1769, C replaced by T.
Protein change: p.Thr590Ile; replaces threonine 590 with isoleucine.
Molecular consequence: missense variant.
Genome position (GRCh38, 1-based): chr11:119,049,593, G>A on the plus strand (C>T on the coding strand, the complement: HYOU1 is on the minus strand). VCF-style: chr11-119049593-G-A. GRCh37 (hg19) VCF-style: chr11-118920305-G-A.
Other names: c.1769C>T, p.Thr590Ile (NM_001130991.3, NM_001411041.1); short protein forms T590I.
Identifiers: ClinVar variation 1719112 (VCV001719112.5), dbSNP rs1565711723, ClinGen allele CA382932901.
Genomic context (GRCh38, chr11:119,049,593, plus strand): 5'-CCCTGGCTCCATCCTGAACTCACCTGGACAGTATCAGTACCATTCTCCTTGGCATCTGGT[G>A]TGGTACCGCCTCCAAACAGGCTGGAAATGGTGTTGCCAAGTTCTAGGGGGAGTAAAACCC-3'
Protein context (NP_006380.1, residues 580-600): TISSLFGGGT[Thr590Ile]PDAKENGTDT

ClinVar aggregate classification (germline): Uncertain significance (1 of 4 stars; one submission).

Submission:

Labcorp Genetics (formerly Invitae), Labcorp
Classification: Uncertain significance. Last evaluated: 2025-02-10. Review status: criteria provided, single submitter. Criteria: Invitae Variant Classification Sherloc (09022015). Collection method: clinical testing. Allele origin: germline.
Comment: This sequence change replaces threonine, which is neutral and polar, with isoleucine, which is neutral and non-polar, at codon 590 of the HYOU1 protein (p.Thr590Ile). This variant is not present in population databases (gnomAD no frequency). This variant has not been reported in the literature in individuals affected with HYOU1-related conditions. ClinVar contains an entry for this variant (Variation ID: 1719112). An algorithm developed to predict the effect of missense changes on protein structure and function (PolyPhen-2) suggests that this variant is likely to be tolerated. In summary, the available evidence is currently insufficient to determine the role of this variant in disease. Therefore, it has been classified as a Variant of Uncertain Significance.